The following is an entry in ClinVar:

ClinVar aggregate classification (germline): Pathogenic. Review status: criteria provided, multiple submitters, no conflicts (2 of 4 stars). 6 submissions from 6 submitters: Pathogenic (6). Last evaluated 2025-03-11.

Conditions:
Retinitis pigmentosa 39 (RP39). Identifiers: Orphanet 791, MedGen C3151138, MONDO:0013436, OMIM 613809.
Usher syndrome type 2A. Also called: USHER SYNDROME, TYPE IIA; RETINAL DISEASE IN USHER SYNDROME TYPE IIA, MODIFIER OF. Identifiers: Orphanet 231178, Orphanet 886, MedGen C1848634, MONDO:0010169, OMIM 276901.
USH2A-related disorder. Also called: USH2A-related disorders; USH2A-related condition. Identifiers: MedGen CN239332.

Submissions (6):

GeneDx
Classification: Pathogenic. Last evaluated: 2025-03-11. Review status: criteria provided, single submitter. Criteria: GeneDx Variant Classification Process June 2021. Collection method: clinical testing. Allele origin: germline. Affected: yes.
Comment: Frameshift variant predicted to result in abnormal protein length as the last 168 amino acids are replaced with 141 different amino acids, and other similar variants have been reported in HGMD; Not observed at significant frequency in large population cohorts (gnomAD); This variant is associated with the following publications: (PMID: 36729443, 34416374, 32675063, 36110214, 25252889)

Fulgent Genetics
Classification: Pathogenic for Usher syndrome type 2A; Retinitis pigmentosa 39. Last evaluated: 2024-03-28. Review status: criteria provided, single submitter. Criteria: ACMG Guidelines, 2015. Collection method: clinical testing. Allele origin: germline.

Baylor Genetics
Classification: Pathogenic for Retinitis pigmentosa 39. Last evaluated: 2023-09-07. Review status: criteria provided, single submitter. Criteria: ACMG Guidelines, 2015. Collection method: clinical testing. Allele origin: unknown.

Labcorp Genetics (formerly Invitae), Labcorp
Classification: Pathogenic. Last evaluated: 2023-08-19. Review status: criteria provided, single submitter. Criteria: Invitae Variant Classification Sherloc (09022015). Collection method: clinical testing. Allele origin: germline.
Comment: This sequence change creates a premature translational stop signal (p.Thr5035Argfs*142) in the USH2A gene. While this is not anticipated to result in nonsense mediated decay, it is expected to disrupt the last 168 amino acid(s) of the USH2A protein. For these reasons, this variant has been classified as Pathogenic. This variant disrupts the p.Ser5060 amino acid residue in USH2A. Other variant(s) that disrupt this residue have been determined to be pathogenic (PMID: 25649381, 29625443, 29899460, 31904091). This suggests that this residue is clinically significant, and that variants that disrupt this residue are likely to be disease-causing. This premature translational stop signal has been observed in individual(s) with Usher syndrome (PMID: 25252889). In at least one individual the data is consistent with being in trans (on the opposite chromosome) from a pathogenic variant. It has also been observed to segregate with disease in related individuals. This variant is not present in population databases (gnomAD no frequency).

Blueprint Genetics
Classification: Pathogenic for USH2A-related disorders. Last evaluated: 2022-06-07. Review status: criteria provided, single submitter. Criteria: ACMG Guidelines, 2015. Collection method: clinical testing. Allele origin: germline. Affected: yes. Observed: 2 variant alleles.

Juno Genomics, Hangzhou Juno Genomics, Inc
Classification: Pathogenic for Retinitis pigmentosa 39; Usher syndrome type 2A. Review status: criteria provided, single submitter. Criteria: ACMG Guidelines, 2015. Collection method: clinical testing. Allele origin: germline.
Comment: Null variant in a gene where loss of function (LOF) is a known mechanism of disease.;Absent from controls (or at extremely low frequency if recessive) in Genome Aggregation Database.;For recessive disorders, detected in trans with a pathogenic variant.

Literature cited by the submitters: PubMed 25649381 (cited by Labcorp Genetics (formerly Invitae), Labcorp); PubMed 29625443 (cited by Labcorp Genetics (formerly Invitae), Labcorp); PubMed 29899460 (cited by Labcorp Genetics (formerly Invitae), Labcorp); PubMed 31904091 (cited by Labcorp Genetics (formerly Invitae), Labcorp); PubMed 25252889 (cited by Labcorp Genetics (formerly Invitae), Labcorp).

NM_206933.4(USH2A):c.15104_15105del (p.Thr5035fs)

Gene: USH2A (usherin; minus strand). Cytogenetic location: 1q41.
Variant type: Microsatellite.
Coding change: c.15104_15105del on transcript NM_206933.4 (MANE Select); coding-DNA positions 15104 to 15105, 2 bases deleted (CA; older notation c.15104_15105delCA).
Protein change: p.Thr5035fs; shifts the reading frame from threonine 5035.
Molecular consequence: frameshift variant.
Genome position (GRCh38, 1-based): chr1:215,634,651-215,634,652, TG deleted on the plus strand (CA on the coding strand, the reverse complement: USH2A is on the minus strand); deleting any 2 consecutive bases within chr1:215,634,651-215,634,654 gives the same sequence; the c. name uses the placement nearest the transcript's 3' end. VCF-style (leftmost placement, unchanged base first): chr1-215634650-CTG-C. GRCh37 (hg19) VCF-style: chr1-215807992-CTG-C.
Other names: c.15104_15105del (NM_206933.2); short protein forms T5035fs.
Identifiers: ClinVar variation 1457644 (VCV001457644.14), dbSNP rs2102630677, ClinGen allele CA2580611543.
Genomic context (GRCh38, chr1:215,634,650, plus strand): 5'-CCAACAAGATCAAGCCCAGCATCGCCATTAACACTATGAACCACAGCTCGCTGTAGAACT[CTG>C]TGCTTTTGCTCCGCGATCCCTTCTTTTTCCCAGGAGTTGTTAGGACCAAGCCTGCAAAAC-3'